The following is an entry in ClinVar:

NM_000038.6(APC):c.4003A>G (p.Ser1335Gly)

Gene: APC (APC regulator of Wnt signaling pathway; plus strand). Cytogenetic location: 5q22.2.
Variant type: single nucleotide variant.
Coding change: c.4003A>G on transcript NM_000038.6 (MANE Select); coding-DNA position 4003, A replaced by G.
Protein change: p.Ser1335Gly; replaces serine 1335 with glycine.
Molecular consequence: missense variant.
Genome position (GRCh38, 1-based): chr5:112,839,597, A>G. VCF-style: chr5-112839597-A-G. GRCh37 (hg19) VCF-style: chr5-112175294-A-G.
Other names: c.4003A>G, p.Ser1335Gly (NM_001127510.3, NM_001354895.2); c.3949A>G, p.Ser1317Gly (NM_001127511.3); c.4057A>G, p.Ser1353Gly (NM_001354896.2); c.4033A>G, p.Ser1345Gly (NM_001354897.2); c.3928A>G, p.Ser1310Gly (NM_001354898.2); c.3919A>G, p.Ser1307Gly (NM_001354899.2); c.3880A>G, p.Ser1294Gly (NM_001354900.2); c.3826A>G, p.Ser1276Gly (NM_001354901.2); and 5 more; short protein forms S1317G, S1335G, S1175G, S1209G, S1052G, S1276G, S1294G, S1307G.
Identifiers: ClinVar variation 480960 (VCV000480960.7), dbSNP rs1554085442, ClinGen allele CA16030109.

ClinVar aggregate classification (germline): Uncertain significance. Review status: criteria provided, multiple submitters, no conflicts (2 of 4 stars). 2 submissions from 2 submitters: Uncertain significance (2). Last evaluated 2025-07-07.

Conditions:
Hereditary cancer-predisposing syndrome. Also called: Hereditary Cancer Syndrome; Neoplastic Syndromes, Hereditary; Tumor predisposition; Hereditary neoplastic syndrome. Identifiers: Orphanet 140162, MedGen C0027672, MeSH D009386, MONDO:0015356.

Allele frequency attached by ClinVar (database versions not stated): gnomAD exomes below 0.00001.
gnomAD v4.1: 1 of 1,614,208 alleles (0.000062%); highest among the groups gnomAD compares: South Asian, 0.0011%; no homozygotes.

Submissions (2):

Color Diagnostics, LLC DBA Color Health
Classification: Uncertain significance for Hereditary cancer-predisposing syndrome. Last evaluated: 2025-07-07. Review status: criteria provided, single submitter. Criteria: ACMG Guidelines, 2015. Collection method: clinical testing. Allele origin: germline.
Comment: This missense variant replaces serine with glycine at codon 1335 of the APC protein. Computational prediction suggests that this variant may not impact protein structure and function. To our knowledge, functional studies have not been reported for this variant. This variant has not been reported in individuals affected with APC-related disorders in the literature. This variant has not been identified in the general population by the Genome Aggregation Database (gnomAD). The available evidence is insufficient to determine the role of this variant in disease conclusively. Therefore, this variant is classified as a Variant of Uncertain Significance.

Ambry Genetics
Classification: Uncertain significance for Hereditary cancer-predisposing syndrome. Last evaluated: 2023-05-09. Review status: criteria provided, single submitter. Criteria: Ambry Variant Classification Scheme 2023. Collection method: clinical testing. Allele origin: germline.
Comment: The p.S1335G variant (also known as c.4003A>G), located in coding exon 15 of the APC gene, results from an A to G substitution at nucleotide position 4003. The serine at codon 1335 is replaced by glycine, an amino acid with similar properties. This amino acid position is not well conserved in available vertebrate species. In addition, in silico predictors for this gene do not accurately predict pathogenicity. Since supporting evidence is limited at this time, the clinical significance of this alteration remains unclear.